The following is an entry in ClinVar:

NM_002519.3(NPAT):c.1681A>C (p.Lys561Gln)

Gene: NPAT (nuclear protein, coactivator of histone transcription; minus strand). Cytogenetic location: 11q22.3.
Variant type: single nucleotide variant.
Coding change: c.1681A>C on transcript NM_002519.3 (MANE Select); coding-DNA position 1681, A replaced by C.
Protein change: p.Lys561Gln; replaces lysine 561 with glutamine.
Molecular consequence: missense variant.
Genome position (GRCh38, 1-based): chr11:108,173,303, T>G on the plus strand (A>C on the coding strand, the complement: NPAT is on the minus strand). VCF-style: chr11-108173303-T-G. GRCh37 (hg19) VCF-style: chr11-108044030-T-G.
Other names: c.1681A>C, p.Lys561Gln (NM_001321307.1); short protein forms K561Q.
Identifiers: ClinVar variation 1777917 (VCV001777917.3), dbSNP rs1200706004, ClinGen allele CA382514600.

ClinVar aggregate classification (germline): Uncertain significance (1 of 4 stars; one submission).

Allele frequency attached by ClinVar (database versions not stated): TOPMed below 0.00001.
gnomAD v4.1: 1 of 1,611,780 alleles (0.000062%); highest among the groups gnomAD compares: Non-Finnish European, 0.000085%; no homozygotes.

Submission:

Ambry Genetics
Classification: Uncertain significance. Last evaluated: 2024-04-12. Review status: criteria provided, single submitter. Criteria: Ambry Variant Classification Scheme 2023. Collection method: clinical testing. Allele origin: germline.
Comment: The p.K561Q variant (also known as c.1681A>C), located in coding exon 13 of the NPAT gene, results from an A to C substitution at nucleotide position 1681. The lysine at codon 561 is replaced by glutamine, an amino acid with similar properties. This amino acid position is conserved. In addition, this alteration is predicted to be tolerated by in silico analysis. Since supporting evidence is limited at this time, the clinical significance of this alteration remains unclear.